The following is an entry in ClinVar:

ClinVar aggregate classification (germline): Pathogenic/Likely pathogenic. Review status: criteria provided, multiple submitters, no conflicts (2 of 4 stars). 4 submissions from 4 submitters: Pathogenic (2); Likely pathogenic (2). Last evaluated 2022-04-12.

Conditions:
Hereditary cancer-predisposing syndrome. Also called: Neoplastic Syndromes, Hereditary; Hereditary Cancer Syndrome; Hereditary neoplastic syndrome; Tumor predisposition. Identifiers: Orphanet 140162, MedGen C0027672, MeSH D009386, MONDO:0015356.
Neurofibromatosis, type 1 (NF1). Also called: VON RECKLINGHAUSEN DISEASE; Neurofibromatosis, type I; NEUROFIBROMATOSIS, TYPE I, SOMATIC; Peripheral type neurofibromatosis. Identifiers: Orphanet 636, MedGen C0027831, MONDO:0018975, OMIM 162200. Disease mechanism: loss of function.

Submissions (4):

Labcorp Genetics (formerly Invitae), Labcorp
Classification: Pathogenic for Neurofibromatosis, type 1. Last evaluated: 2022-04-12. Review status: criteria provided, single submitter. Criteria: Invitae Variant Classification Sherloc (09022015). Collection method: clinical testing. Allele origin: germline.
Comment: For these reasons, this variant has been classified as Pathogenic. Algorithms developed to predict the effect of sequence changes on RNA splicing suggest that this variant may disrupt the consensus splice site. ClinVar contains an entry for this variant (Variation ID: 141209). Disruption of this splice site has been observed in individuals with neurofibromatosis type 1 (PMID: 12872266; Invitae). This variant is not present in population databases (gnomAD no frequency). This sequence change affects an acceptor splice site in intron 18 of the NF1 gene. It is expected to disrupt RNA splicing. Variants that disrupt the donor or acceptor splice site typically lead to a loss of protein function (PMID: 16199547), and loss-of-function variants in NF1 are known to be pathogenic (PMID: 10712197, 23913538).

Genome-Nilou Lab
Classification: Likely pathogenic for Neurofibromatosis, type 1. Last evaluated: 2022-03-15. Review status: criteria provided, single submitter. Criteria: ACMG Guidelines, 2015. Collection method: clinical testing. Allele origin: germline. Affected: no.

Genome Diagnostics Laboratory, The Hospital for Sick Children
Classification: Pathogenic for Neurofibromatosis, type 1. Last evaluated: 2020-10-26. Review status: criteria provided, single submitter. Criteria: ACMG Guidelines, 2015. Collection method: clinical testing. Allele origin: germline. Affected: yes.

Ambry Genetics
Classification: Likely pathogenic for Hereditary cancer-predisposing syndrome. Last evaluated: 2013-09-06. Review status: criteria provided, single submitter. Criteria: Ambry Autosomal Dominant and X-Linked criteria (10/2015). Collection method: clinical testing. Allele origin: germline. Observed: 1 variant allele.
Comment: Ã¢â‚¬â€¹The c.2252-1G>C intronic variant results from a G to C substitution one nucleotide before coding exon 19 of the NF1 gene. This variant was not reported in population-based cohorts in the following databases: Database of Single Nucleotide Polymorphisms (dbSNP), NHLBI Exome Sequencing Project (ESP) and 1000 Genomes Project. To date, this alteration has been detected once in our clinical cohort (includes this individual). Based on nucleotide sequence alignment, this position is highly conserved in available vertebrate species. Using the BDGP and ESEfinder splice site prediction tools, this alteration creates a new alternate splice acceptor site that is weaker than the native splice acceptor site; however, direct evidence is unavailable. Alterations that disrupt the canonical splice acceptor site are typically deleterious in nature (ACMG Recommendations for Standards for Interpretation and Reporting of Sequence Variations. Revision 2007. Genet Med. 2008;10:294). As such, the c.2252-1G>C variant is classified as likely pathogenic.

Literature cited by the submitters: PubMed 12872266 (cited by Labcorp Genetics (formerly Invitae), Labcorp); PubMed 16199547 (cited by Labcorp Genetics (formerly Invitae), Labcorp); PubMed 10712197 (cited by Labcorp Genetics (formerly Invitae), Labcorp); PubMed 23913538 (cited by Labcorp Genetics (formerly Invitae), Labcorp).

NM_001042492.3(NF1):c.2252-1G>C

Gene: NF1 (neurofibromin 1; plus strand). Cytogenetic location: 17q11.2.
Variant type: single nucleotide variant.
Coding change: c.2252-1G>C on transcript NM_001042492.3 (MANE Select); the canonical splice acceptor site of the intron before coding-DNA position 2252, G replaced by C.
Molecular consequence: splice acceptor variant.
Genome position (GRCh38, 1-based): chr17:31,227,217, G>C. VCF-style: chr17-31227217-G-C. GRCh37 (hg19) VCF-style: chr17-29554235-G-C.
Other names: c.2252-1G>C (NM_000267.4).
Identifiers: ClinVar variation 141209 (VCV000141209.12), dbSNP rs587781577, ClinGen allele CA164774.